The following is an entry in ClinVar:

ClinVar aggregate classification (germline): Likely pathogenic (1 of 4 stars; one submission).

Conditions:
Developmental and epileptic encephalopathy, 54. Also called: HNRNPU-Related Neurodevelopmental Disorder; Epileptic encephalopathy, early infantile, 54. Identifiers: MedGen C4479319, MONDO:0033363, OMIM 617391.

Submission:

Labcorp Genetics (formerly Invitae), Labcorp
Classification: Likely pathogenic for Developmental and epileptic encephalopathy, 54. Last evaluated: 2022-01-20. Review status: criteria provided, single submitter. Criteria: Invitae Variant Classification Sherloc (09022015). Collection method: clinical testing. Allele origin: germline.
Comment: In summary, the currently available evidence indicates that the variant is pathogenic, but additional data are needed to prove that conclusively. Therefore, this variant has been classified as Likely Pathogenic. This variant has not been reported in the literature in individuals affected with HNRNPU-related conditions. The frequency data for this variant in the population databases is considered unreliable, as metrics indicate insufficient coverage at this position in the gnomAD database. This variant results in the deletion of part of exon 1 (c.143_691+113del) of the HNRNPU gene. It is expected to disrupt RNA splicing. Variants that disrupt the donor or acceptor splice site typically lead to a loss of protein function (PMID: 16199547), and loss-of-function variants in HNRNPU are known to be pathogenic (PMID: 22678713, 28283832).

Literature cited by the submitters: PubMed 16199547; PubMed 22678713; PubMed 28283832.

NM_031844.3(HNRNPU):c.143_691+113del

Genes: HNRNPU (heterogeneous nuclear ribonucleoprotein U; minus strand), LOC129932913 (ATAC-STARR-seq lymphoblastoid silent region 2020; plus strand). Cytogenetic location: 1q44.
Variant type: Deletion.
Coding change: c.143_691+113del on transcript NM_031844.3 (MANE Select); coding-DNA position 143 through 113 bases into the intron after coding-DNA position 691, 662 bases deleted.
Molecular consequence: splice donor variant.
Genome position (GRCh38, 1-based): chr1:244,863,504-244,864,165, 662 bases deleted. GRCh37 (hg19): chr1:245,026,810-245,027,471.
Other names: c.143_634+170del (NM_004501.3).
Identifiers: ClinVar variation 2072458 (VCV002072458.4), dbSNP rs2527893248, ClinGen allele CA2580063520.